The following is an entry in ClinVar:

ClinVar aggregate classification (germline): Conflicting classifications of pathogenicity. Review status: criteria provided, conflicting classifications (1 of 4 stars). 3 submissions from 3 submitters: Uncertain significance (1); Likely benign (1). 1 of the submissions does not count toward it. Last evaluated 2026-01-21.

Conditions:
DNAJB13-related disorder. Also called: DNAJB13-related condition.

Allele frequency attached by ClinVar (database versions not stated): gnomAD exomes 0.00008 and 0.00015; 1000 Genomes Project 30x 0.00016; 1000 Genomes Project 0.00020; ExAC 0.00023; gnomAD 0.00068 and 0.00071; TOPMed 0.00068; ESP Exome Variant Server 0.00077.
gnomAD v4.1: 216 of 1,610,756 alleles (0.013%); highest among the groups gnomAD compares: African/African-American, 0.28%; 1 homozygote.

Submissions (3):

Labcorp Genetics (formerly Invitae), Labcorp
Classification: Likely benign. Last evaluated: 2026-01-21. Review status: criteria provided, single submitter. Criteria: Invitae Variant Classification Sherloc (09022015). Collection method: clinical testing. Allele origin: germline.

Mayo Clinic Laboratories, Mayo Clinic
Classification: Uncertain significance. Last evaluated: 2023-04-28. Review status: criteria provided, single submitter. Criteria: ACMG Guidelines, 2015. Collection method: clinical testing. Allele origin: germline. Observed: 1 variant allele.
Comment: BP4

PreventionGenetics, part of Exact Sciences
Classification: Likely benign for DNAJB13-related condition. Last evaluated: 2023-12-04. Review status: no assertion criteria provided. Collection method: clinical testing. Allele origin: germline. Not counted in ClinVar's aggregate classification.
Comment: This variant is classified as likely benign based on ACMG/AMP sequence variant interpretation guidelines (Richards et al. 2015 PMID: 25741868, with internal and published modifications).

NM_153614.4(DNAJB13):c.439T>A (p.Ser147Thr)

Gene: DNAJB13 (DnaJ heat shock protein family (Hsp40) member B13; plus strand). Cytogenetic location: 11q13.4.
Variant type: single nucleotide variant.
Coding change: c.439T>A on transcript NM_153614.4 (MANE Select); coding-DNA position 439, T replaced by A.
Protein change: p.Ser147Thr; replaces serine 147 with threonine.
Molecular consequence: missense variant.
Genome position (GRCh38, 1-based): chr11:73,964,982, T>A. VCF-style: chr11-73964982-T-A. GRCh37 (hg19) VCF-style: chr11-73676027-T-A.
Other names: p.Ser147Thr; c.265T>A, p.Ser89Thr (NM_001377263.1); short protein forms S147T, S89T.
Identifiers: ClinVar variation 741977 (VCV000741977.11), dbSNP rs148650935, ClinGen allele CA6180767.